The following is an entry in ClinVar:

NM_002439.5(MSH3):c.1969C>T (p.Pro657Ser)

Gene: MSH3 (mutS homolog 3; plus strand). Cytogenetic location: 5q14.1.
Variant type: single nucleotide variant.
Coding change: c.1969C>T on transcript NM_002439.5 (MANE Select); coding-DNA position 1969, C replaced by T.
Protein change: p.Pro657Ser; replaces proline 657 with serine.
Molecular consequence: missense variant.
Genome position (GRCh38, 1-based): chr5:80,768,005, C>T. VCF-style: chr5-80768005-C-T. GRCh37 (hg19) VCF-style: chr5-80063824-C-T.
Other names: short protein forms P657S.
Identifiers: ClinVar variation 820428 (VCV000820428.17), dbSNP rs766652796, ClinGen allele CA3328106.

ClinVar aggregate classification (germline): Uncertain significance. Review status: criteria provided, multiple submitters, no conflicts (2 of 4 stars). 4 submissions from 4 submitters: Uncertain significance (4). Last evaluated 2025-07-07.

Conditions:
Hereditary cancer-predisposing syndrome. Also called: Neoplastic Syndromes, Hereditary; Tumor predisposition; Hereditary Cancer Syndrome; Hereditary neoplastic syndrome. Identifiers: Orphanet 140162, MedGen C0027672, MeSH D009386, MONDO:0015356.
Familial adenomatous polyposis 4 (FAP4). Also called: MSH3-related attenuated familial adenomatous polyposis. Identifiers: Orphanet 480536, MedGen C4310719, MONDO:0044300, OMIM 617100.
Endometrial carcinoma. Also called: Endometrial carcinoma, somatic. Identifiers: MedGen C0476089, MONDO:0002447, OMIM 608089, HP:0012114.

Allele frequency attached by ClinVar (database versions not stated): gnomAD 0.00001; gnomAD exomes 0.00002 and 0.00003; ExAC 0.00003.
gnomAD v4.1: 17 of 1,613,200 alleles (0.0011%); highest among the groups gnomAD compares: East Asian, 0.036%; no homozygotes.

Submissions (4):

Labcorp Genetics (formerly Invitae), Labcorp
Classification: Uncertain significance. Last evaluated: 2025-07-07. Review status: criteria provided, single submitter. Criteria: Invitae Variant Classification Sherloc (09022015). Collection method: clinical testing. Allele origin: germline.
Comment: This sequence change replaces proline, which is neutral and non-polar, with serine, which is neutral and polar, at codon 657 of the MSH3 protein (p.Pro657Ser). The frequency data for this variant in the population databases is considered unreliable, as metrics indicate poor data quality at this position in the gnomAD database. This variant has not been reported in the literature in individuals affected with MSH3-related conditions. ClinVar contains an entry for this variant (Variation ID: 820428). An algorithm developed to predict the effect of missense changes on protein structure and function (PolyPhen-2) suggests that this variant is likely to be disruptive. In summary, the available evidence is currently insufficient to determine the role of this variant in disease. Therefore, it has been classified as a Variant of Uncertain Significance.

Ambry Genetics
Classification: Uncertain significance for Hereditary cancer-predisposing syndrome. Last evaluated: 2024-05-30. Review status: criteria provided, single submitter. Criteria: Ambry Variant Classification Scheme 2023. Collection method: clinical testing. Allele origin: germline.
Comment: The p.P657S variant (also known as c.1969C>T), located in coding exon 14 of the MSH3 gene, results from a C to T substitution at nucleotide position 1969. The proline at codon 657 is replaced by serine, an amino acid with similar properties. This amino acid position is highly conserved in available vertebrate species. In addition, the in silico prediction for this alteration is inconclusive. Based on the available evidence, the clinical significance of this variant remains unclear.

Baylor Genetics
Classification: Uncertain significance for Endometrial carcinoma. Last evaluated: 2023-09-27. Review status: criteria provided, single submitter. Criteria: ACMG Guidelines, 2015. Collection method: clinical testing. Allele origin: unknown.

Department of Pathology and Laboratory Medicine, Sinai Health System
Classification: Uncertain significance for Familial adenomatous polyposis 4. Last evaluated: 2022-10-20. Review status: criteria provided, single submitter. Criteria: ACMG Guidelines, 2015. Collection method: clinical testing. Allele origin: germline. Affected: yes.